The following is an entry in ClinVar:

ClinVar aggregate classification (germline): Pathogenic (1 of 4 stars; one submission).

Conditions:
Joubert syndrome. Also called: CEREBELLOPARENCHYMAL DISORDER IV; JOUBERT-BOLTSHAUSER SYNDROME; Familial aplasia of the vermis. Identifiers: Orphanet 475, MedGen C5979921, MONDO:0018772.
Meckel-Gruber syndrome. Also called: DYSENCEPHALIA SPLANCHNOCYSTICA; GRUBER SYNDROME; Dysencephalia splachnocystica. Identifiers: Orphanet 564, MedGen C0265215, MONDO:0018921.
Nephronophthisis. Also called: Juvenile Nephronophthisis. Identifiers: Orphanet 655, MedGen C0687120, MONDO:0019005, HP:0000090.

Submission:

Labcorp Genetics (formerly Invitae), Labcorp
Classification: Pathogenic for Joubert syndrome; Meckel-Gruber syndrome; Nephronophthisis. Last evaluated: 2022-10-31. Review status: criteria provided, single submitter. Criteria: Invitae Variant Classification Sherloc (09022015). Collection method: clinical testing. Allele origin: germline.
Comment: For these reasons, this variant has been classified as Pathogenic. Algorithms developed to predict the effect of sequence changes on RNA splicing suggest that this variant may disrupt the consensus splice site. This variant has not been reported in the literature in individuals affected with CEP290-related conditions. This variant is not present in population databases (gnomAD no frequency). This sequence change creates a premature translational stop signal (p.Gln606*) in the CEP290 gene. It is expected to result in an absent or disrupted protein product. Loss-of-function variants in CEP290 are known to be pathogenic (PMID: 16909394, 17345604, 20690115).

Literature cited by the submitters: PubMed 16909394; PubMed 17345604; PubMed 20690115.

NM_025114.4(CEP290):c.1816C>T (p.Gln606Ter)

Gene: CEP290 (centrosomal protein 290; minus strand). Cytogenetic location: 12q21.32.
Variant type: single nucleotide variant.
Coding change: c.1816C>T on transcript NM_025114.4 (MANE Select); coding-DNA position 1816, C replaced by T.
Protein change: p.Gln606Ter; replaces glutamine 606 with a stop codon.
Molecular consequence: nonsense.
Genome position (GRCh38, 1-based): chr12:88,117,041, G>A on the plus strand (C>T on the coding strand, the complement: CEP290 is on the minus strand). VCF-style: chr12-88117041-G-A. GRCh37 (hg19) VCF-style: chr12-88510818-G-A.
Other names: short protein forms Q606*.
Identifiers: ClinVar variation 1977386 (VCV001977386.5), dbSNP rs2500865968, ClinGen allele CA385977982.
Genomic context (GRCh38, chr12:88,117,041, plus strand): 5'-AAAAAAAAAAAAAATATTTTCCTTTACTCTCTTTGCAATACTTTACTATTACCTTTGATT[G>A]TGCTTCACTCATATTTTTGAGGCTCAATAAATCCAATTTTCTTTCACTTATTCTATCTCC-3'